The following is an entry in ClinVar:

NM_001754.5(RUNX1):c.735C>A (p.Pro245=)

Gene: RUNX1 (RUNX family transcription factor 1; minus strand). Cytogenetic location: 21q22.12.
Variant type: single nucleotide variant.
Coding change: c.735C>A on transcript NM_001754.5 (MANE Select); coding-DNA position 735, C replaced by A.
Protein change: p.Pro245=; no amino-acid change (proline 245 retained).
Molecular consequence: synonymous variant.
Genome position (GRCh38, 1-based): chr21:34,834,480, G>T on the plus strand (C>A on the coding strand, the complement: RUNX1 is on the minus strand). VCF-style: chr21-34834480-G-T. GRCh37 (hg19) VCF-style: chr21-36206777-G-T.
Other names: NM_001754.5(RUNX1):c.735C>A; p.Pro245=; c.654C>A, p.Pro218= (NM_001001890.3, NM_001122607.2).
Identifiers: ClinVar variation 755769 (VCV000755769.13), dbSNP rs902762123, ClinGen allele CA512318599.

ClinVar aggregate classification (germline): Likely benign. Review status: reviewed by expert panel (3 of 4 stars). 3 submissions from 3 submitters: Likely benign (1). 2 of the submissions do not count toward it. Last evaluated 2026-04-29.

Conditions:
Inborn genetic diseases. Identifiers: MedGen C0950123, MeSH D030342.
Hereditary thrombocytopenia and hematological cancer predisposition syndrome associated with RUNX1. Also called: PLATELET DISORDER, ASPIRIN-LIKE; Familial Platelet Disorder with Propensity to Acute Myelogenous Leukemia; Familial thrombocytopenia with propensity to acute myelogenous leukemia; RUNX1 Familial Platelet Disorder with Associated Myeloid Malignancies. Identifiers: Orphanet 71290, MedGen C1832388, MeSH C563324, MONDO:0100083, OMIM 601399.
Hereditary thrombocytopenia and hematologic cancer predisposition syndrome. Identifiers: Orphanet 71290, MedGen CN281654, MONDO:0011071.

Allele frequency attached by ClinVar (database versions not stated): gnomAD exomes below 0.00001.
gnomAD v4.1: 2 of 1,613,060 alleles (0.00012%); highest among the groups gnomAD compares: South Asian, 0.0011%; no homozygotes.

Submissions (3):

ClinGen Myeloid Malignancy Variant Curation Expert Panel
Classification: Likely benign for Hereditary thrombocytopenia and hematologic cancer predisposition syndrome. Last evaluated: 2026-04-29. Review status: reviewed by expert panel. Criteria: ClinGen MyeloMalig ACMG Specifications V3.1. Collection method: curation. Allele origin: germline. Inheritance: Autosomal dominant inheritance.
Comment: NM_001754.5(RUNX1):c.735C>A (p.Pro245=) is a synonymous variant which has a SpliceAI score ≤ 0.20 (0.01) (BP4, BP7). This variant has a MAF ≤ 0.00005 in gnomAD v4 across all subpopulations with at least 20x coverage for RUNX1 (PM2_supporting). In summary, this variant meets criteria to be classified as likely benign. ACMG/AMP criteria applied, as specified by the Myeloid Malignancy Variant Curation Expert Panel for RUNX1: BP4, BP7, PM2_supporting.

Ambry Genetics
Classification: Likely benign for Inborn genetic diseases. Last evaluated: 2024-10-05. Review status: criteria provided, single submitter. Criteria: Ambry Variant Classification Scheme 2023. Collection method: clinical testing. Allele origin: germline. Not counted in ClinVar's aggregate classification.

Labcorp Genetics (formerly Invitae), Labcorp
Classification: Likely benign for Hereditary thrombocytopenia and hematological cancer predisposition syndrome associated with RUNX1. Last evaluated: 2018-12-01. Review status: criteria provided, single submitter. Criteria: Invitae Variant Classification Sherloc (09022015). Collection method: clinical testing. Allele origin: germline. Not counted in ClinVar's aggregate classification.